The following is an entry in ClinVar:

ClinVar aggregate classification (germline): Likely pathogenic (1 of 4 stars; one submission).

Conditions:
Ehlers-Danlos syndrome, type 4 (EDSVASC). Also called: Ehlers-Danlos syndrome vascular type; Ehlers Danlos syndrome, ecchymotic type; Ehlers Danlos syndrome, arterial type; Ehlers Danlos syndrome, Sack-Barabas type; Ehlers-Danlos Syndrome Type IV. Identifiers: Orphanet 286, MedGen C0268338, MONDO:0017314, OMIM 130050.

Submission:

Labcorp Genetics (formerly Invitae), Labcorp
Classification: Likely pathogenic for Ehlers-Danlos syndrome, type 4. Last evaluated: 2025-12-24. Review status: criteria provided, single submitter. Criteria: Invitae Variant Classification Sherloc (09022015). Collection method: clinical testing. Allele origin: germline.
Comment: This sequence change replaces glycine, which is neutral and non-polar, with arginine, which is basic and polar, at codon 684 of the COL3A1 protein (p.Gly684Arg). This variant is not present in population databases (gnomAD no frequency). This variant has not been reported in the literature in individuals affected with COL3A1-related conditions. Invitae Evidence Modeling of protein sequence and biophysical properties (such as structural, functional, and spatial information, amino acid conservation, physicochemical variation, residue mobility, and thermodynamic stability) indicates that this missense variant is expected to disrupt COL3A1 protein function with a positive predictive value of 95%. This variant disrupts the triple helix domain of COL3A1. Glycine residues within the Gly-Xaa-Yaa repeats of the triple helix domain are required for the structure and stability of fibrillar collagens (PMID: 7695699, 8218237, 19344236). In COL3A1, variants that affect these glycine residues are significantly enriched in individuals with disease (PMID: 24922459, 25758994) compared to the general population (ExAC). In summary, the currently available evidence indicates that the variant is pathogenic, but additional data are needed to prove that conclusively. Therefore, this variant has been classified as Likely Pathogenic.

Literature cited by the submitters: PubMed 7695699; PubMed 8218237; PubMed 19344236; PubMed 24922459; PubMed 25758994.

NM_000090.4(COL3A1):c.2050G>A (p.Gly684Arg)

Gene: COL3A1 (collagen type III alpha 1 chain; plus strand). Cytogenetic location: 2q32.2.
Variant type: single nucleotide variant.
Coding change: c.2050G>A on transcript NM_000090.4 (MANE Select); coding-DNA position 2050, G replaced by A.
Protein change: p.Gly684Arg; replaces glycine 684 with arginine.
Molecular consequence: missense variant.
Genome position (GRCh38, 1-based): chr2:188,999,312, G>A. VCF-style: chr2-188999312-G-A. GRCh37 (hg19) VCF-style: chr2-189864038-G-A.
Other names: short protein forms G684R.
Identifiers: ClinVar variation 4800327 (VCV004800327.1).